The following is an entry in ClinVar:

NM_006739.4(MCM5):c.2104-3C>T

Gene: MCM5 (minichromosome maintenance complex component 5; plus strand). Cytogenetic location: 22q12.3.
Variant type: single nucleotide variant.
Coding change: c.2104-3C>T on transcript NM_006739.4 (MANE Select); 3 bases into the intron before coding-DNA position 2104, C replaced by T.
Molecular consequence: intron variant.
Genome position (GRCh38, 1-based): chr22:35,424,151, C>T. VCF-style: chr22-35424151-C-T. GRCh37 (hg19) VCF-style: chr22-35820144-C-T.
Identifiers: ClinVar variation 2015114 (VCV002015114.4), dbSNP rs2517913546, ClinGen allele CA2580099716.

ClinVar aggregate classification (germline): Uncertain significance (1 of 4 stars; one submission).

Allele frequency attached by ClinVar (database versions not stated): gnomAD exomes below 0.00001.
gnomAD v4.1: 1 of 1,546,858 alleles (0.000065%); highest among the groups gnomAD compares: Non-Finnish European, 0.000087%; no homozygotes.

Submission:

Labcorp Genetics (formerly Invitae), Labcorp
Classification: Uncertain significance. Last evaluated: 2024-06-03. Review status: criteria provided, single submitter. Criteria: Invitae Variant Classification Sherloc (09022015). Collection method: clinical testing. Allele origin: germline.
Comment: This sequence change falls in intron 16 of the MCM5 gene. It does not directly change the encoded amino acid sequence of the MCM5 protein. It affects a nucleotide within the consensus splice site. This variant is not present in population databases (gnomAD no frequency). This variant has not been reported in the literature in individuals affected with MCM5-related conditions. ClinVar contains an entry for this variant (Variation ID: 2015114). Variants that disrupt the consensus splice site are a relatively common cause of aberrant splicing (PMID: 17576681, 9536098). Algorithms developed to predict the effect of sequence changes on RNA splicing suggest that this variant is not likely to affect RNA splicing. In summary, the available evidence is currently insufficient to determine the role of this variant in disease. Therefore, it has been classified as a Variant of Uncertain Significance.

Literature cited by the submitters: PubMed 17576681; PubMed 9536098.